The following is an entry in ClinVar:

NM_000070.3(CAPN3):c.1244A>G (p.Asn415Ser)

Gene: CAPN3 (calpain 3; plus strand). Cytogenetic location: 15q15.1.
Variant type: single nucleotide variant.
Coding change: c.1244A>G on transcript NM_000070.3 (MANE Select); coding-DNA position 1244, A replaced by G.
Protein change: p.Asn415Ser; replaces asparagine 415 with serine.
Molecular consequence: missense variant.
Genome position (GRCh38, 1-based): chr15:42,399,542, A>G. VCF-style: chr15-42399542-A-G. GRCh37 (hg19) VCF-style: chr15-42691740-A-G.
Other names: c.1244A>G (NM_000070.2); c.1244A>G, p.Asn415Ser (NM_024344.2); c.1100A>G, p.Asn367Ser (NM_173087.2); short protein forms N367S, N415S.
Identifiers: ClinVar variation 990245 (VCV000990245.7), dbSNP rs769367343, ClinGen allele CA7511299.

ClinVar aggregate classification (germline): Uncertain significance. Review status: criteria provided, multiple submitters, no conflicts (2 of 4 stars). 3 submissions from 3 submitters: Uncertain significance (2). 1 of the submissions does not count toward it. Last evaluated 2025-08-06.

Conditions:
Inborn genetic diseases. Identifiers: MedGen C0950123, MeSH D030342.
Autosomal recessive limb-girdle muscular dystrophy type 2A (LGMDR1). Also called: Limb-girdle muscular dystrophy, type 2A; Calpainopathy; LEYDEN-MOEBIUS MUSCULAR DYSTROPHY; MUSCULAR DYSTROPHY, PELVOFEMORAL; Muscular dystrophy, limb-girdle, type 2A, Amish. Identifiers: Orphanet 267, MedGen C1869123, MONDO:0009675, OMIM 253600. Disease mechanism: loss of function.

Allele frequency attached by ClinVar (database versions not stated): gnomAD 0.00001; gnomAD exomes 0.00001 and 0.00002; ExAC 0.00002; TOPMed 0.00003.
gnomAD v4.1: 20 of 1,613,726 alleles (0.0012%); highest among the groups gnomAD compares: Non-Finnish European, 0.0017%; no homozygotes.

Submissions (3):

Ambry Genetics
Classification: Uncertain significance for Inborn genetic diseases. Last evaluated: 2025-08-06. Review status: criteria provided, single submitter. Criteria: Ambry Variant Classification Scheme 2023. Collection method: clinical testing. Allele origin: germline.

Labcorp Genetics (formerly Invitae), Labcorp
Classification: Uncertain significance for Autosomal recessive limb-girdle muscular dystrophy type 2A. Last evaluated: 2025-01-17. Review status: criteria provided, single submitter. Criteria: Invitae Variant Classification Sherloc (09022015). Collection method: clinical testing. Allele origin: germline.
Comment: This sequence change replaces asparagine, which is neutral and polar, with serine, which is neutral and polar, at codon 415 of the CAPN3 protein (p.Asn415Ser). This variant is present in population databases (rs769367343, gnomAD 0.005%). This variant has not been reported in the literature in individuals affected with CAPN3-related conditions. ClinVar contains an entry for this variant (Variation ID: 990245). Invitae Evidence Modeling of protein sequence and biophysical properties (such as structural, functional, and spatial information, amino acid conservation, physicochemical variation, residue mobility, and thermodynamic stability) indicates that this missense variant is not expected to disrupt CAPN3 protein function with a negative predictive value of 80%. In summary, the available evidence is currently insufficient to determine the role of this variant in disease. Therefore, it has been classified as a Variant of Uncertain Significance.

Natera, Inc.
Classification: Uncertain significance for Limb-girdle muscular dystrophy type 2A. Last evaluated: 2020-04-17. Review status: no assertion criteria provided. Collection method: clinical testing. Allele origin: germline. Not counted in ClinVar's aggregate classification.